The following is an entry in ClinVar:

ClinVar aggregate classification (germline): Benign/Likely benign. Review status: criteria provided, multiple submitters, no conflicts (2 of 4 stars). 4 submissions from 4 submitters: Benign (1); Likely benign (2). 1 of the submissions does not count toward it. Last evaluated 2026-01-05.

Conditions:
HOXB13-related disorder. Also called: HOXB13-related condition; HOXB13-related disorders.
Prostate cancer, hereditary, 9 (HPC9). Identifiers: Orphanet 1331, MedGen C1970250, MONDO:0012597, OMIM 610997.
Hereditary cancer-predisposing syndrome. Also called: Tumor predisposition; Hereditary Cancer Syndrome; Neoplastic Syndromes, Hereditary; Hereditary neoplastic syndrome. Identifiers: Orphanet 140162, MedGen C0027672, MeSH D009386, MONDO:0015356.

Allele frequency attached by ClinVar (database versions not stated): gnomAD exomes 0.00001; gnomAD 0.00007 and 0.00008; TOPMed 0.00009; ESP Exome Variant Server 0.00015.
gnomAD v4.1: 20 of 1,614,052 alleles (0.0012%); highest among the groups gnomAD compares: African/African-American, 0.023%; no homozygotes.

Submissions (4):

Labcorp Genetics (formerly Invitae), Labcorp
Classification: Likely benign. Last evaluated: 2026-01-05. Review status: criteria provided, single submitter. Criteria: Invitae Variant Classification Sherloc (09022015). Collection method: clinical testing. Allele origin: germline.

Myriad Genetics, Inc.
Classification: Benign for Prostate cancer, hereditary, 9. Last evaluated: 2024-10-29. Review status: criteria provided, single submitter. Criteria: Myriad Autosomal Dominant, Autosomal Recessive and X-Linked Classification Criteria (2023). Collection method: clinical testing. Allele origin: unknown.
Comment: This variant is considered benign. This variant is a silent/synonymous amino acid change and it is not expected to impact splicing.

Ambry Genetics
Classification: Likely benign for Hereditary cancer-predisposing syndrome. Last evaluated: 2017-11-14. Review status: criteria provided, single submitter. Criteria: Ambry Variant Classification Scheme 2023. Collection method: clinical testing. Allele origin: germline.

PreventionGenetics, part of Exact Sciences
Classification: Likely benign for HOXB13-related condition. Last evaluated: 2022-10-18. Review status: no assertion criteria provided. Collection method: clinical testing. Allele origin: germline. Not counted in ClinVar's aggregate classification.
Comment: This variant is classified as likely benign based on ACMG/AMP sequence variant interpretation guidelines (Richards et al. 2015 PMID: 25741868, with internal and published modifications).

NM_006361.6(HOXB13):c.303C>G (p.Ala101=)

Gene: HOXB13 (homeobox B13; minus strand). Cytogenetic location: 17q21.32.
Variant type: single nucleotide variant.
Coding change: c.303C>G on transcript NM_006361.6 (MANE Select); coding-DNA position 303, C replaced by G.
Protein change: p.Ala101=; no amino-acid change (alanine 101 retained).
Molecular consequence: synonymous variant.
Genome position (GRCh38, 1-based): chr17:48,728,291, G>C on the plus strand (C>G on the coding strand, the complement: HOXB13 is on the minus strand). VCF-style: chr17-48728291-G-C. GRCh37 (hg19) VCF-style: chr17-46805653-G-C.
Identifiers: ClinVar variation 822690 (VCV000822690.16), dbSNP rs150413396, ClinGen allele CA8634021.